The following is an entry in ClinVar:

ClinVar aggregate classification (germline): Uncertain significance. Review status: criteria provided, multiple submitters, no conflicts (2 of 4 stars). 2 submissions from 2 submitters: Uncertain significance (2). Last evaluated 2024-10-18.

Submissions (2):

Blueprint Genetics
Classification: Uncertain significance. Last evaluated: 2024-10-18. Review status: criteria provided, single submitter. Criteria: ACMG Guidelines, 2015. Collection method: clinical testing. Allele origin: germline.

Labcorp Genetics (formerly Invitae), Labcorp
Classification: Uncertain significance. Last evaluated: 2022-07-06. Review status: criteria provided, single submitter. Criteria: Invitae Variant Classification Sherloc (09022015). Collection method: clinical testing. Allele origin: germline.
Comment: This variant, c.440_448dup, results in the insertion of 3 amino acid(s) of the CNGB1 protein (p.Leu147_Ala149dup), but otherwise preserves the integrity of the reading frame. This variant is present in population databases (rs756431055, gnomAD 0.009%). This variant has not been reported in the literature in individuals affected with CNGB1-related conditions. ClinVar contains an entry for this variant (Variation ID: 1440104). Experimental studies and prediction algorithms are not available or were not evaluated, and the functional significance of this variant is currently unknown. In summary, the available evidence is currently insufficient to determine the role of this variant in disease. Therefore, it has been classified as a Variant of Uncertain Significance.

NM_001297.5(CNGB1):c.440_448dup (p.Leu147_Ala149dup)

Gene: CNGB1 (cyclic nucleotide gated channel subunit beta 1; minus strand). Cytogenetic location: 16q21.
Variant type: Duplication.
Coding change: c.440_448dup on transcript NM_001297.5 (MANE Select); coding-DNA positions 440 to 448, 9 bases duplicated (TTGAGGCCC; older notation c.440_448dupTTGAGGCCC).
Protein change: p.Leu147_Ala149dup.
Molecular consequence: inframe insertion.
Genome position (GRCh38, 1-based): chr16:57,962,575-57,962,583, GGGCCTCAA duplicated on the plus strand (TTGAGGCCC on the coding strand, the reverse complement: CNGB1 is on the minus strand); duplicating any 9 consecutive bases within chr16:57,962,575-57,962,591 gives the same sequence; the c. name uses the placement nearest the transcript's 3' end. VCF-style (leftmost placement, unchanged base first): chr16-57962574-T-TGGGCCTCAA. GRCh37 (hg19) VCF-style: chr16-57996478-T-TGGGCCTCAA.
Other names: c.440_448dup, p.Leu147_Ala149dup (NM_001135639.2, NM_001286130.2).
Identifiers: ClinVar variation 1440104 (VCV001440104.4), dbSNP rs756431055, ClinGen allele CA8083824.